The following is an entry in ClinVar:

ClinVar aggregate classification (germline): Conflicting classifications of pathogenicity. Review status: criteria provided, conflicting classifications (1 of 4 stars). 8 submissions from 8 submitters: Uncertain significance (1); Benign (1); Likely benign (4). 2 of the submissions do not count toward it. Last evaluated 2025-08-20.

Conditions:
Arrhythmogenic cardiomyopathy with wooly hair and keratoderma. Also called: Dilated cardiomyopathy with woolly hair and keratoderma; PALMOPLANTAR KERATODERMA WITH LEFT VENTRICULAR CARDIOMYOPATHY AND WOOLLY HAIR; Arrhythmogenic cardiomyopathy with woolly hair and keratoderma; Carvajal syndrome. Identifiers: Orphanet 65282, MedGen C1854063, MONDO:0011581, OMIM 605676.
Arrhythmogenic right ventricular dysplasia 8 (ARVD8). Also called: ARRHYTHMOGENIC RIGHT VENTRICULAR DYSPLASIA, FAMILIAL, 8; ARRHYTHMOGENIC RIGHT VENTRICULAR CARDIOMYOPATHY 8; Arrhythmogenic Right Ventricular Dysplasia/Cardiomyopathy 8. Identifiers: MedGen C1843896, MONDO:0011831, OMIM 607450.
Cardiovascular phenotype. Identifiers: MedGen CN230736.
Cardiomyopathy (CMYO). Also called: Cardiomyopathies. Identifiers: Orphanet 167848, MedGen C0878544, MONDO:0004994, HP:0001638. Inheritance: Various modes of inheritance.

Allele frequency attached by ClinVar (database versions not stated): gnomAD 0.00001 and 0.00003; TOPMed 0.00001; gnomAD exomes 0.00005 and 0.00006; ExAC 0.00007.
gnomAD v4.1: 75 of 1,613,952 alleles (0.0046%); highest among the groups gnomAD compares: South Asian, 0.061%; no homozygotes.

Submissions (8):

Labcorp Genetics (formerly Invitae), Labcorp
Classification: Benign for Arrhythmogenic cardiomyopathy with wooly hair and keratoderma; Arrhythmogenic right ventricular dysplasia 8. Last evaluated: 2025-08-20. Review status: criteria provided, single submitter. Criteria: Invitae Variant Classification Sherloc (09022015). Collection method: clinical testing. Allele origin: germline.

Ambry Genetics
Classification: Likely benign for Cardiovascular phenotype. Last evaluated: 2025-01-16. Review status: criteria provided, single submitter. Criteria: Ambry Variant Classification Scheme 2023. Collection method: clinical testing. Allele origin: germline.

Blueprint Genetics
Classification: Likely benign. Last evaluated: 2024-04-25. Review status: criteria provided, single submitter. Criteria: ACMG Guidelines, 2015. Collection method: clinical testing. Allele origin: germline.

All of Us Research Program, National Institutes of Health
Classification: Likely benign for Arrhythmogenic cardiomyopathy with wooly hair and keratoderma. Last evaluated: 2023-10-02. Review status: criteria provided, single submitter. Criteria: ACMG Guidelines, 2015. Collection method: clinical testing. Allele origin: germline. Inheritance: Autosomal dominant inheritance. Observed: 1 variant allele, 1 heterozygote.
Comment: This study involves interpretation of variants in research participants for the purpose of population health screening. Participant phenotype was not available at the time of variant classification. Additional details can be found in publication PMID: 35346344, PMCID: PMC8962531

Color Diagnostics, LLC DBA Color Health
Classification: Likely benign for Cardiomyopathy. Last evaluated: 2023-09-25. Review status: criteria provided, single submitter. Criteria: ACMG Guidelines, 2015. Collection method: clinical testing. Allele origin: germline.

CeGaT Center for Human Genetics Tuebingen
Classification: Uncertain significance. Last evaluated: 2018-02-01. Review status: criteria provided, single submitter. Criteria: CeGaT Center For Human Genetics Tuebingen Variant Classification Criteria Version 2. Collection method: clinical testing. Allele origin: germline. Affected: yes. Observed: 1 variant allele.

Clinical Genetics DNA and cytogenetics Diagnostics Lab, Erasmus MC, Erasmus Medical Center
Classification: Likely benign. Review status: no assertion criteria provided. Collection method: clinical testing. Allele origin: germline. Affected: yes. Study: VKGL Data-share Consensus. Not counted in ClinVar's aggregate classification.

Joint Genome Diagnostic Labs from Nijmegen and Maastricht, Radboudumc and MUMC+
Classification: Likely benign. Review status: no assertion criteria provided. Collection method: clinical testing. Allele origin: germline. Affected: yes. Study: VKGL Data-share Consensus. Not counted in ClinVar's aggregate classification.

NM_004415.4(DSP):c.2666G>A (p.Arg889Lys)

Gene: DSP (desmoplakin; plus strand). Cytogenetic location: 6p24.3.
Variant type: single nucleotide variant.
Coding change: c.2666G>A on transcript NM_004415.4 (MANE Select); coding-DNA position 2666, G replaced by A.
Protein change: p.Arg889Lys; replaces arginine 889 with lysine.
Molecular consequence: missense variant.
Genome position (GRCh38, 1-based): chr6:7,576,329, G>A. VCF-style: chr6-7576329-G-A. GRCh37 (hg19) VCF-style: chr6-7576562-G-A.
Other names: c.2666G>A, p.Arg889Lys (NM_001008844.3, NM_001319034.2); short protein forms R889K.
Identifiers: ClinVar variation 809865 (VCV000809865.57), dbSNP rs762341335, ClinGen allele CA034541.